The following is an entry in ClinVar:

NM_000334.4(SCN4A):c.2577G>C (p.Gly859=)

Genes: GH-LCR (growth hormone locus control region; plus strand), SCN4A (sodium voltage-gated channel alpha subunit 4; minus strand). Cytogenetic location: 17q23.3.
Variant type: single nucleotide variant.
Coding change: c.2577G>C on transcript NM_000334.4 (MANE Select); coding-DNA position 2577, G replaced by C.
Protein change: p.Gly859=; no amino-acid change (glycine 859 retained).
Molecular consequence: synonymous variant.
Genome position (GRCh38, 1-based): chr17:63,951,700, C>G on the plus strand (G>C on the coding strand, the complement: SCN4A is on the minus strand). VCF-style: chr17-63951700-C-G. GRCh37 (hg19) VCF-style: chr17-62029060-C-G.
Identifiers: ClinVar variation 5041040 (VCV005041040.1).
Genomic context (GRCh38, chr17:63,951,700, plus strand): 5'-CTTCTCATCCTCGGGGGCAGTCTCCCCCGCCTCTCCAGCCTCCCCGGCCCCGTCAGCCTC[C>G]CCGAGGCTGAGCATGATGTCCTTGGGGCTCAGGATCTTGCCATGCAGCAGCCCCAGGAGG-3'
Protein context (NP_000325.4, residues 849-869): LSPKDIMLSL[Gly859=]EADGAGEAGE

ClinVar aggregate classification (germline): Likely benign (1 of 4 stars; one submission).

Submission:

CeGaT Center for Human Genetics Tuebingen
Classification: Likely benign. Last evaluated: 2026-09-01. Review status: criteria provided, single submitter. Criteria: CeGaT Center For Human Genetics Tuebingen Variant Classification Criteria Version 2. Collection method: clinical testing. Allele origin: germline. Affected: yes. Observed: 1 variant allele.
Comment: SCN4A: PM2:Supporting, BP4, BP7